The following is an entry in ClinVar:

ClinVar aggregate classification (germline): Uncertain significance. Review status: criteria provided, multiple submitters, no conflicts (2 of 4 stars). 3 submissions from 3 submitters: Uncertain significance (3). Last evaluated 2025-10-01.

Conditions:
Hereditary cancer-predisposing syndrome. Also called: Hereditary Cancer Syndrome; Neoplastic Syndromes, Hereditary; Tumor predisposition; Hereditary neoplastic syndrome. Identifiers: Orphanet 140162, MedGen C0027672, MeSH D009386, MONDO:0015356.
Ataxia-telangiectasia syndrome (AT). Also called: Cerebello-oculocutaneous telangiectasia; Immunodeficiency with ataxia telangiectasia; Ataxia-telangiectasia, complementation group E; Ataxia-telangiectasia, complementation group D; AT, COMPLEMENTATION GROUP C; ATAXIA-TELANGIECTASIA, COMPLEMENTATION GROUP A. Identifiers: Orphanet 100, MedGen C0004135, MONDO:0008840, OMIM 208900.

Allele frequency attached by ClinVar (database versions not stated): TOPMed below 0.00001.

Submissions (3):

Labcorp Genetics (formerly Invitae), Labcorp
Classification: Uncertain significance for Ataxia-telangiectasia syndrome. Last evaluated: 2025-10-01. Review status: criteria provided, single submitter. Criteria: Invitae Variant Classification Sherloc (09022015). Collection method: clinical testing. Allele origin: germline.
Comment: This sequence change replaces asparagine, which is neutral and polar, with serine, which is neutral and polar, at codon 3044 of the ATM protein (p.Asn3044Ser). This variant is not present in population databases (gnomAD no frequency). This variant has not been reported in the literature in individuals affected with ATM-related conditions. ClinVar contains an entry for this variant (Variation ID: 490758). Invitae Evidence Modeling of protein sequence and biophysical properties (such as structural, functional, and spatial information, amino acid conservation, physicochemical variation, residue mobility, and thermodynamic stability) indicates that this missense variant is expected to disrupt ATM protein function with a positive predictive value of 95%. In summary, the available evidence is currently insufficient to determine the role of this variant in disease. Therefore, it has been classified as a Variant of Uncertain Significance.

Ambry Genetics
Classification: Uncertain significance for Hereditary cancer-predisposing syndrome. Last evaluated: 2025-01-27. Review status: criteria provided, single submitter. Criteria: Ambry Variant Classification Scheme 2023. Collection method: clinical testing. Allele origin: germline.
Comment: The p.N3044S variant (also known as c.9131A>G), located in coding exon 62 of the ATM gene, results from an A to G substitution at nucleotide position 9131. The asparagine at codon 3044 is replaced by serine, an amino acid with highly similar properties. This amino acid position is highly conserved in available vertebrate species. In addition, the in silico prediction for this alteration is inconclusive. Based on the available evidence, the clinical significance of this variant remains unclear.

Color Diagnostics, LLC DBA Color Health
Classification: Uncertain significance for Hereditary cancer-predisposing syndrome. Last evaluated: 2020-10-20. Review status: criteria provided, single submitter. Criteria: ACMG Guidelines, 2015. Collection method: clinical testing. Allele origin: germline.
Comment: This missense variant replaces asparagine with serine at codon 3044 of the ATM protein. Computational prediction suggests that this variant may have deleterious impact on protein structure and function (internally defined REVEL score threshold >= 0.7, PMID: 27666373). To our knowledge, functional studies have not been reported for this variant. This variant has not been reported in individuals affected with hereditary cancer in the literature. This variant has not been identified in the general population by the Genome Aggregation Database (gnomAD). The available evidence is insufficient to determine the role of this variant in disease conclusively. Therefore, this variant is classified as a Variant of Uncertain Significance.

NM_000051.4(ATM):c.9131A>G (p.Asn3044Ser)

Genes: ATM (ATM serine/threonine kinase; plus strand), C11orf65 (chromosome 11 open reading frame 65; minus strand). Cytogenetic location: 11q22.3.
Variant type: single nucleotide variant.
Coding change: c.9131A>G on transcript NM_000051.4 (MANE Select); coding-DNA position 9131, A replaced by G.
Protein change: p.Asn3044Ser; replaces asparagine 3044 with serine.
Molecular consequence: missense variant. On other transcripts: intron variant (2).
Genome position (GRCh38, 1-based): chr11:108,365,468, A>G. VCF-style: chr11-108365468-A-G. GRCh37 (hg19) VCF-style: chr11-108236195-A-G.
Other names: c.9131A>G, p.Asn3044Ser (NM_001351834.2); c.640+20452T>C (NM_001330368.2); c.694+20452T>C (NM_001351110.2); short protein forms N3044S.
Identifiers: ClinVar variation 490758 (VCV000490758.8), dbSNP rs1555152029, ClinGen allele CA382532076.